The following is an entry in ClinVar:

ClinVar aggregate classification (germline): Likely pathogenic (1 of 4 stars; one submission).

Conditions:
Developmental delay, impaired growth, dysmorphic facies, and axonal neuropathy. Identifiers: MedGen C5436781, MONDO:0030835, OMIM 619090.

Submission:

Human Genetics Bochum, Ruhr University Bochum
Classification: Likely pathogenic for Developmental delay, impaired growth, dysmorphic facies, and axonal neuropathy. Last evaluated: 2024-05-24. Review status: criteria provided, single submitter. Criteria: ACMG Guidelines, 2015. Collection method: clinical testing. Allele origin: germline. Affected: yes.
Comment: ACMG criteria used to clasify this variant: PS2, PM2_SUP, PP2

NM_001303256.3(MORC2):c.64A>C (p.Asn22His)

Gene: MORC2 (MORC family CW-type zinc finger 2; minus strand). Cytogenetic location: 22q12.2.
Variant type: single nucleotide variant.
Coding change: c.64A>C on transcript NM_001303256.3 (MANE Select); coding-DNA position 64, A replaced by C.
Protein change: p.Asn22His; replaces asparagine 22 with histidine.
Molecular consequence: missense variant. On other transcripts: 5 prime UTR variant (1).
Genome position (GRCh38, 1-based): chr22:30,967,826, T>G on the plus strand (A>C on the coding strand, the complement: MORC2 is on the minus strand). VCF-style: chr22-30967826-T-G. GRCh37 (hg19) VCF-style: chr22-31363812-T-G.
Other names: c.64A>C, p.Asn22His (NM_001303257.2); c.-989A>C (NM_014941.3); short protein forms N22H.
Identifiers: ClinVar variation 4687997 (VCV004687997.1).
Genomic context (GRCh38, chr22:30,967,826, plus strand): 5'-TATAATATCAAGGAACGAGTTACTGGTTACCTCAGTGGCACCTAGAGGATACTTACGAAT[T>G]TGTGTGCAGATATTCAAAGGTTAGCTGAGCTCGATTCAGACTGCTGTAATTTGTGAAAGC-3'
Protein context (NP_001290185.1, residues 12-32): AQLTFEYLHT[Asn22His]STTHEFLFGA